The following is an entry in ClinVar:

NM_004287.5(GOSR2):c.432_449del (p.His145_Gly150del)

Genes: GOSR2 (golgi SNAP receptor complex member 2; plus strand), LRRC37A2 (leucine rich repeat containing 37 member A2). Cytogenetic location: 17q21.32.
Variant type: Deletion.
Coding change: c.432_449del on transcript NM_004287.5 (MANE Select); coding-DNA positions 432 to 449, 18 bases deleted (GCACAATATTTTAGATGG).
Protein change: p.His145_Gly150del.
Molecular consequence: inframe deletion. On other transcripts: non-coding transcript variant (1), intron variant (4).
Genome position (GRCh38, 1-based): chr17:46,935,124-46,935,141, GCACAATATTTTAGATGG deleted; deleting any 18 consecutive bases within chr17:46,935,113-46,935,141 gives the same sequence; the c. name uses the placement nearest the transcript's 3' end. VCF-style (leftmost placement, unchanged base first): chr17-46935112-CATTTTAGATGGGCACAAT-C. GRCh37 (hg19) VCF-style: chr17-45012478-CATTTTAGATGGGCACAAT-C.
Other names: c.432_449del, p.His145_Gly150del (NM_001012511.3, NM_001321133.2, NM_054022.4); c.429_446del, p.His144_Gly149del (NM_001353114.2); c.378_395del, p.His127_Gly132del (NM_001363851.2); c.282+2925_282+2942del (NM_001321134.2); c.336+2925_336+2942del (NM_001330252.2); c.333+2925_333+2942del (NM_001353115.2, NM_001353116.2).
Identifiers: ClinVar variation 1413215 (VCV001413215.5), dbSNP rs1381386644, ClinGen allele CA626684450.

ClinVar aggregate classification (germline): Uncertain significance (1 of 4 stars; one submission).

Conditions:
Progressive myoclonic epilepsy. Also called: Familial progressive myoclonic epilepsy; Myoclonus epilepsy; Progressive myoclonus epilepsy; Myoclonic Epilepsies, Progressive. Identifiers: Orphanet 308, Orphanet 98261, MedGen C0751778, MONDO:0020074.

Submission:

Labcorp Genetics (formerly Invitae), Labcorp
Classification: Uncertain significance for Progressive myoclonic epilepsy. Last evaluated: 2021-08-13. Review status: criteria provided, single submitter. Criteria: Invitae Variant Classification Sherloc (09022015). Collection method: clinical testing. Allele origin: germline.
Comment: This variant, c.432_449del, results in the deletion of 6 amino acid(s) of the GOSR2 protein (p.His145_Gly150del), but otherwise preserves the integrity of the reading frame. This variant is not present in population databases (ExAC no frequency). This variant has not been reported in the literature in individuals affected with GOSR2-related conditions. Experimental studies and prediction algorithms are not available or were not evaluated, and the functional significance of this variant is currently unknown. In summary, the available evidence is currently insufficient to determine the role of this variant in disease. Therefore, it has been classified as a Variant of Uncertain Significance.